The following is an entry in ClinVar:

NM_001382241.1(TNPO2):c.1042G>A (p.Glu348Lys)

Gene: TNPO2 (transportin 2; minus strand). Cytogenetic location: 19p13.13.
Variant type: single nucleotide variant.
Coding change: c.1042G>A on transcript NM_001382241.1 (MANE Select); coding-DNA position 1042, G replaced by A.
Protein change: p.Glu348Lys; replaces glutamic acid 348 with lysine.
Molecular consequence: missense variant. On other transcripts: non-coding transcript variant (5).
Genome position (GRCh38, 1-based): chr19:12,711,371, C>T on the plus strand (G>A on the coding strand, the complement: TNPO2 is on the minus strand). VCF-style: chr19-12711371-C-T. GRCh37 (hg19) VCF-style: chr19-12822185-C-T.
Other names: c.1042G>A, p.Glu348Lys (NM_001136195.2, NM_001136196.2, NM_001382236.1 and 7 more transcripts); short protein forms E348K.
Identifiers: ClinVar variation 3767499 (VCV003767499.1).

ClinVar aggregate classification (germline): Uncertain significance (1 of 4 stars; one submission).

Submission:

GeneDx
Classification: Uncertain significance. Last evaluated: 2024-09-08. Review status: criteria provided, single submitter. Criteria: GeneDx Variant Classification Process June 2021. Collection method: clinical testing. Allele origin: germline. Affected: yes.
Comment: Not observed at significant frequency in large population cohorts (gnomAD); In silico analysis indicates that this missense variant does not alter protein structure/function; Has not been previously published as pathogenic or benign to our knowledge